The following is an entry in ClinVar:

NM_024592.5(SRD5A3):c.22G>A (p.Glu8Lys)

Gene: SRD5A3 (steroid 5 alpha-reductase 3; plus strand). Cytogenetic location: 4q12.
Variant type: single nucleotide variant.
Coding change: c.22G>A on transcript NM_024592.5 (MANE Select); coding-DNA position 22, G replaced by A.
Protein change: p.Glu8Lys; replaces glutamic acid 8 with lysine.
Molecular consequence: missense variant.
Genome position (GRCh38, 1-based): chr4:55,346,358, G>A. VCF-style: chr4-55346358-G-A. GRCh37 (hg19) VCF-style: chr4-56212525-G-A.
Other names: short protein forms E8K.
Identifiers: ClinVar variation 1385345 (VCV001385345.7), dbSNP rs539407364, ClinGen allele CA2925188.

ClinVar aggregate classification (germline): Uncertain significance. Review status: criteria provided, multiple submitters, no conflicts (2 of 4 stars). 2 submissions from 2 submitters: Uncertain significance (2). Last evaluated 2022-08-16.

Conditions:
SRD5A3-congenital disorder of glycosylation. Also called: CDG Iq; Ocular colobomas, ichthyosis, brain malformations and endocrine abnormalities; SRD5A3-CDG; COLOBOMA, OCULAR, WITH ICHTHYOSIS, BRAIN MALFORMATIONS, AND ENDOCRINE ABNORMALITIES; Congenital disorder of glycosylation type 1Q. Identifiers: Orphanet 324737, MedGen C4317224, MONDO:0012885, OMIM 612379.

Allele frequency attached by ClinVar (database versions not stated): TOPMed below 0.00001; gnomAD 0.00001; ExAC 0.00007; 1000 Genomes Project 30x 0.00016; 1000 Genomes Project 0.00020.
gnomAD v4.1: 5 of 1,529,304 alleles (0.00033%); highest among the groups gnomAD compares: East Asian, 0.014%; no homozygotes.

Submissions (2):

Labcorp Genetics (formerly Invitae), Labcorp
Classification: Uncertain significance for SRD5A3-congenital disorder of glycosylation. Last evaluated: 2022-08-16. Review status: criteria provided, single submitter. Criteria: Invitae Variant Classification Sherloc (09022015). Collection method: clinical testing. Allele origin: germline.
Comment: This sequence change replaces glutamic acid, which is acidic and polar, with lysine, which is basic and polar, at codon 8 of the SRD5A3 protein (p.Glu8Lys). The frequency data for this variant in the population databases is considered unreliable, as metrics indicate poor data quality at this position in the gnomAD database. This variant has not been reported in the literature in individuals affected with SRD5A3-related conditions. ClinVar contains an entry for this variant (Variation ID: 1385345). Algorithms developed to predict the effect of missense changes on protein structure and function (SIFT, PolyPhen-2, Align-GVGD) all suggest that this variant is likely to be tolerated. In summary, the available evidence is currently insufficient to determine the role of this variant in disease. Therefore, it has been classified as a Variant of Uncertain Significance.

GeneDx
Classification: Uncertain significance. Last evaluated: 2022-06-27. Review status: criteria provided, single submitter. Criteria: GeneDx Variant Classification Process June 2021. Collection method: clinical testing. Allele origin: germline. Affected: yes.
Comment: In silico analysis supports that this missense variant does not alter protein structure/function; Has not been previously published as pathogenic or benign to our knowledge